The following is an entry in ClinVar:

NM_001126108.2(SLC12A3):c.2515G>A (p.Asp839Asn)

Gene: SLC12A3 (solute carrier family 12 member 3; plus strand). Cytogenetic location: 16q13.
Variant type: single nucleotide variant.
Coding change: c.2515G>A on transcript NM_001126108.2 (MANE Select); coding-DNA position 2515, G replaced by A.
Protein change: p.Asp839Asn; replaces aspartic acid 839 with asparagine.
Molecular consequence: missense variant.
Genome position (GRCh38, 1-based): chr16:56,893,048, G>A. VCF-style: chr16-56893048-G-A. GRCh37 (hg19) VCF-style: chr16-56926960-G-A.
Other names: c.2542G>A, p.Asp848Asn (NM_000339.3); c.2539G>A, p.Asp847Asn (NM_001126107.2); short protein forms D839N, D848N, D847N.
Identifiers: ClinVar variation 1499557 (VCV001499557.11), dbSNP rs1298687889, ClinGen allele CA395996447.

ClinVar aggregate classification (germline): Pathogenic/Likely pathogenic. Review status: criteria provided, multiple submitters, no conflicts (2 of 4 stars). 6 submissions from 6 submitters: Pathogenic (2); Likely pathogenic (4). Last evaluated 2025-09-04.

Conditions:
SLC12A3-related disorder. Also called: SLC12A3-related condition.
Familial hypokalemia-hypomagnesemia (GTLMNS). Also called: HYPOMAGNESEMIA-HYPOKALEMIA, PRIMARY RENOTUBULAR, WITH HYPOCALCIURIA; POTASSIUM AND MAGNESIUM DEPLETION; gitelman syndrome. Identifiers: Orphanet 358, MedGen C0268450, MONDO:0009904, OMIM 263800.

Allele frequency attached by ClinVar (database versions not stated): gnomAD 0.00001; gnomAD exomes 0.00001; TOPMed 0.00001.
gnomAD v4.1: 12 of 1,613,680 alleles (0.00074%); highest among the groups gnomAD compares: South Asian, 0.0011%; no homozygotes.

Submissions (6):

Natera, Inc.
Classification: Pathogenic for Gitelman syndrome. Last evaluated: 2025-09-04. Review status: criteria provided, single submitter. Criteria: Natera Variant Classification Schema (03/2026). Collection method: clinical testing. Allele origin: germline.
Comment: The c.2542G>A variant in SLC12A3 is a missense variant predicted to cause substitution of aspartic acid to asparagine at amino acid 848. This variant is rare in the general population with a frequency below the threshold expected for the associated phenotype(s). This variant has been observed in one or more individuals affected with the associated recessive disease, as either homozygous or compound heterozygous with a second variant (PMID: 17699451, 22009145, 31183353, 33348466, 34657521). Computational prediction algorithms indicate this variant is likely to affect gene or protein function. Given the available evidence, this variant is classified as Pathogenic.

Fulgent Genetics
Classification: Likely pathogenic for Familial hypokalemia-hypomagnesemia. Last evaluated: 2024-06-18. Review status: criteria provided, single submitter. Criteria: ACMG Guidelines, 2015. Collection method: clinical testing. Allele origin: germline.

Revvity Omics, Revvity
Classification: Likely pathogenic for Familial hypokalemia-hypomagnesemia. Last evaluated: 2024-02-13. Review status: criteria provided, single submitter. Criteria: ACMG Guidelines, 2015. Collection method: clinical testing. Allele origin: germline.

Labcorp Genetics (formerly Invitae), Labcorp
Classification: Pathogenic. Last evaluated: 2023-10-25. Review status: criteria provided, single submitter. Criteria: Invitae Variant Classification Sherloc (09022015). Collection method: clinical testing. Allele origin: germline.
Comment: This sequence change replaces aspartic acid, which is acidic and polar, with asparagine, which is neutral and polar, at codon 848 of the SLC12A3 protein (p.Asp848Asn). This variant is not present in population databases (gnomAD no frequency). This missense change has been observed in individual(s) with Gitelman syndrome (PMID: 16837915, 31183353, 33348466, 34657521). In at least one individual the data is consistent with being in trans (on the opposite chromosome) from a pathogenic variant. This variant is also known as D839N. ClinVar contains an entry for this variant (Variation ID: 1499557). Advanced modeling of protein sequence and biophysical properties (such as structural, functional, and spatial information, amino acid conservation, physicochemical variation, residue mobility, and thermodynamic stability) performed at Invitae indicates that this missense variant is expected to disrupt SLC12A3 protein function with a positive predictive value of 95%. For these reasons, this variant has been classified as Pathogenic.

Blueprint Genetics
Classification: Likely pathogenic for SLC12A3-related disorders. Last evaluated: 2022-09-26. Review status: criteria provided, single submitter. Criteria: ACMG Guidelines, 2015. Collection method: clinical testing. Allele origin: germline. Affected: yes. Observed: 4 variant alleles.

European Hospital Georges Pompidou Genetics Department, Assistance Publique - Hôpitaux de Paris AP-HP
Classification: Likely pathogenic for Familial hypokalemia-hypomagnesemia. Last evaluated: 2022-04-27. Review status: criteria provided, single submitter. Criteria: ACMG Guidelines, 2015. Collection method: clinical testing. Allele origin: germline. Affected: yes.
Comment: ACMG criteria used:PM1 PM2 PM3 PP3 PP5

Literature cited by the submitters: PubMed 17699451 (cited by Natera, Inc.); PubMed 22009145 (cited by Natera, Inc.); PubMed 31183353 (cited by Natera, Inc. and Labcorp Genetics (formerly Invitae), Labcorp); PubMed 33348466 (cited by Natera, Inc. and Labcorp Genetics (formerly Invitae), Labcorp); PubMed 34657521 (cited by Natera, Inc. and Labcorp Genetics (formerly Invitae), Labcorp); PubMed 16837915 (cited by Labcorp Genetics (formerly Invitae), Labcorp).